The following is an entry in ClinVar:

NM_000245.4(MET):c.3445A>G (p.Ser1149Gly)

Gene: MET (MET proto-oncogene, receptor tyrosine kinase; plus strand). Cytogenetic location: 7q31.2.
Variant type: single nucleotide variant.
Coding change: c.3445A>G on transcript NM_000245.4 (MANE Select); coding-DNA position 3445, A replaced by G.
Protein change: p.Ser1149Gly; replaces serine 1149 with glycine.
Molecular consequence: missense variant.
Genome position (GRCh38, 1-based): chr7:116,778,880, A>G. VCF-style: chr7-116778880-A-G. GRCh37 (hg19) VCF-style: chr7-116418934-A-G.
Other names: c.3499A>G, p.Ser1167Gly (NM_001127500.3); c.2155A>G, p.Ser719Gly (NM_001324402.2); short protein forms S1149G, S719G, S1167G.
Identifiers: ClinVar variation 4647505 (VCV004647505.1).

ClinVar aggregate classification (germline): Uncertain significance (1 of 4 stars; one submission).

Conditions:
Hereditary cancer-predisposing syndrome. Also called: Neoplastic Syndromes, Hereditary; Tumor predisposition; Hereditary Cancer Syndrome; Hereditary neoplastic syndrome. Identifiers: Orphanet 140162, MedGen C0027672, MeSH D009386, MONDO:0015356.

Submission:

Ambry Genetics
Classification: Uncertain significance for Hereditary cancer-predisposing syndrome. Last evaluated: 2025-09-17. Review status: criteria provided, single submitter. Criteria: Ambry Variant Classification Scheme 2023. Collection method: clinical testing. Allele origin: germline.
Comment: The p.S1167G variant (also known as c.3499A>G), located in coding exon 16 of the MET gene, results from an A to G substitution at nucleotide position 3499. The serine at codon 1167 is replaced by glycine, an amino acid with similar properties. This amino acid position is conserved. In addition, this alteration is predicted to be tolerated by in silico analysis. Based on the available evidence, the clinical significance of this variant remains unclear.